The following is an entry in ClinVar:

ClinVar aggregate classification (germline): Pathogenic (1 of 4 stars; one submission).

Conditions:
Diffuse cerebral and cerebellar atrophy - intractable seizures - progressive microcephaly syndrome. Also called: Microcephaly, progressive, with seizures and cerebral and cerebellar atrophy. Identifiers: Orphanet 404437, MedGen C4014239, MONDO:0014335, OMIM 615760.

Submission:

Labcorp Genetics (formerly Invitae), Labcorp
Classification: Pathogenic for Diffuse cerebral and cerebellar atrophy - intractable seizures - progressive microcephaly syndrome. Last evaluated: 2021-11-22. Review status: criteria provided, single submitter. Criteria: Invitae Variant Classification Sherloc (09022015). Collection method: clinical testing. Allele origin: germline.
Comment: This sequence change creates a premature translational stop signal (p.Phe468Alafs*40) in the QARS gene. It is expected to result in an absent or disrupted protein product. Loss-of-function variants in QARS are known to be pathogenic (PMID: 24656866, 25471517). This variant is not present in population databases (gnomAD no frequency). This variant has not been reported in the literature in individuals affected with QARS-related conditions. For these reasons, this variant has been classified as Pathogenic.

Literature cited by the submitters: PubMed 24656866; PubMed 25471517.

NM_005051.3(QARS1):c.1391_1401dup (p.Phe468fs)

Gene: QARS1 (glutaminyl-tRNA synthetase 1; minus strand). Cytogenetic location: 3p21.31.
Variant type: Duplication.
Coding change: c.1391_1401dup on transcript NM_005051.3 (MANE Select); coding-DNA positions 1391 to 1401, 11 bases duplicated (GCTCTTCCTAC).
Protein change: p.Phe468fs; shifts the reading frame from phenylalanine 468.
Molecular consequence: frameshift variant. On other transcripts: non-coding transcript variant (1).
Genome position (GRCh38, 1-based): chr3:49,099,635-49,099,645, GTAGGAAGAGC duplicated on the plus strand (GCTCTTCCTAC on the coding strand, the reverse complement: QARS1 is on the minus strand); duplicating any 11 consecutive bases within chr3:49,099,635-49,099,647 gives the same sequence; the c. name uses the placement nearest the transcript's 3' end. VCF-style (leftmost placement, unchanged base first): chr3-49099634-A-AGTAGGAAGAGC. GRCh37 (hg19) VCF-style: chr3-49137067-A-AGTAGGAAGAGC.
Other names: c.1358_1368dup, p.Phe457fs (NM_001272073.2); short protein forms F468fs, F457fs.
Identifiers: ClinVar variation 1454301 (VCV001454301.6), dbSNP rs2107100555, ClinGen allele CA2573137152.
Genomic context (GRCh38, chr3:49,099,634, plus strand): 5'-TGAGGCGGCCATACTCCCACTGCACAGGGCAATAGACGTCCAGTGCATTGCAAAGCCAGA[A>AGTAGGAAGAGC]GTAGGAAGAGCGTCTGGGGTGGGAGAGTAGGGTTAGCACTGGCCAGCTCTGGAACCAGGC-3'